The following is an entry in ClinVar:

ClinVar aggregate classification (germline): Uncertain significance. Review status: criteria provided, multiple submitters, no conflicts (2 of 4 stars). 2 submissions from 2 submitters: Uncertain significance (2). Last evaluated 2024-06-14.

Submissions (2):

Women's Health and Genetics/Laboratory Corporation of America, LabCorp
Classification: Uncertain significance. Last evaluated: 2024-06-14. Review status: criteria provided, single submitter. Criteria: LabCorp Variant Classification Summary - May 2015. Collection method: clinical testing. Allele origin: germline.
Comment: Variant summary: ACVRL1 c.304G>C (p.Val102Leu) results in a conservative amino acid change in the encoded protein sequence. Four of five in-silico tools predict a benign effect of the variant on protein function. The variant was absent in 245172 control chromosomes. The available data on variant occurrences in the general population are insufficient to allow any conclusion about variant significance. To our knowledge, no occurrence of c.304G>C in individuals affected with ACVRL1-related conditions and no experimental evidence demonstrating its impact on protein function have been reported. ClinVar contains an entry for this variant (Variation ID: 439387). Based on the evidence outlined above, the variant was classified as uncertain significance.

ARUP Laboratories, Molecular Genetics and Genomics, ARUP Laboratories
Classification: Uncertain significance. Last evaluated: 2016-12-19. Review status: criteria provided, single submitter. Criteria: ARUP Molecular Germline Variant Investigation Process. Collection method: clinical testing. Allele origin: germline.

NM_000020.3(ACVRL1):c.304G>C (p.Val102Leu)

Gene: ACVRL1 (activin A receptor like type 1; plus strand). Cytogenetic location: 12q13.13.
Variant type: single nucleotide variant.
Coding change: c.304G>C on transcript NM_000020.3 (MANE Select); coding-DNA position 304, G replaced by C.
Protein change: p.Val102Leu; replaces valine 102 with leucine.
Molecular consequence: missense variant.
Genome position (GRCh38, 1-based): chr12:51,913,341, G>C. VCF-style: chr12-51913341-G-C. GRCh37 (hg19) VCF-style: chr12-52307125-G-C.
Other names: c.304G>C, p.Val102Leu (NM_001077401.2); short protein forms V102L.
Identifiers: ClinVar variation 439387 (VCV000439387.9), dbSNP rs1555152538, ClinGen allele CA384898123.